The following is an entry in ClinVar:

NM_001379451.1(BCORL1):c.101C>T (p.Ser34Phe)

Gene: BCORL1 (BCL6 corepressor like 1; plus strand). Cytogenetic location: Xq26.1.
Variant type: single nucleotide variant.
Coding change: c.101C>T on transcript NM_001379451.1 (MANE Select); coding-DNA position 101, C replaced by T.
Protein change: p.Ser34Phe; replaces serine 34 with phenylalanine.
Molecular consequence: missense variant.
Genome position (GRCh38, 1-based): chrX:130,012,592, C>T. VCF-style: chrX-130012592-C-T. GRCh37 (hg19) VCF-style: chrX-129146568-C-T.
Other names: c.101C>T, p.Ser34Phe (NM_001184772.3, NM_001379450.1, NM_001441326.1 and 7 more transcripts); short protein forms S34F.
Identifiers: ClinVar variation 4281893 (VCV004281893.1).

ClinVar aggregate classification (germline): Uncertain significance (1 of 4 stars; one submission).

gnomAD v4.1: 1 of 1,210,444 alleles (0.000083%); highest among the groups gnomAD compares: South Asian, 0.0018%; no homozygotes.

Submission:

GeneDx
Classification: Uncertain significance. Last evaluated: 2025-04-12. Review status: criteria provided, single submitter. Criteria: GeneDx Variant Classification Process June 2021. Collection method: clinical testing. Allele origin: germline. Affected: yes.
Comment: Not observed at significant frequency in large population cohorts (gnomAD); In silico analysis supports that this missense variant has a deleterious effect on protein structure/function; Has not been previously published as pathogenic or benign to our knowledge